The following is an entry in ClinVar:

ClinVar aggregate classification (germline): Conflicting classifications of pathogenicity. Review status: criteria provided, conflicting classifications (1 of 4 stars). 15 submissions from 14 submitters: Uncertain significance (9); Benign (1); Likely benign (3). 2 of the submissions do not count toward it. Last evaluated 2026-01-16.

Conditions:
Classic or attenuated familial adenomatous polyposis. Identifiers: MedGen CN372698, MONDO:0021057.
APC-related disorder. Also called: APC-related condition.
APC-Associated Polyposis Disorders.
Hereditary cancer-predisposing syndrome. Also called: Tumor predisposition; Neoplastic Syndromes, Hereditary; Hereditary Cancer Syndrome; Hereditary neoplastic syndrome. Identifiers: Orphanet 140162, MedGen C0027672, MeSH D009386, MONDO:0015356.
Familial adenomatous polyposis 1 (FAP1). Also called: POLYPOSIS, ADENOMATOUS INTESTINAL; FAMILIAL ADENOMATOUS POLYPOSIS 1, ATTENUATED. Identifiers: MedGen C2713442, MONDO:0021056, OMIM 175100. Disease mechanism: loss of function.

Allele frequency attached by ClinVar (database versions not stated): TOPMed 0.00004; gnomAD 0.00005 and 0.00006; ExAC 0.00002; gnomAD exomes 0.00002 and 0.00009.
gnomAD v4.1: 133 of 1,613,976 alleles (0.0082%); highest among the groups gnomAD compares: Non-Finnish European, 0.011%; no homozygotes.

Submissions 1 to 11 of 15:

Women's Health and Genetics/Laboratory Corporation of America, LabCorp
Classification: Likely benign. Last evaluated: 2026-01-16. Review status: criteria provided, single submitter. Criteria: LabCorp Variant Classification Summary - May 2015. Collection method: clinical testing. Allele origin: germline.
Comment: Variant summary: APC c.8107A>G (p.Lys2703Glu) results in a conservative amino acid change located in the EB-1 binding domain of the encoded protein sequence. Four of five in-silico tools predict a benign effect of the variant on protein function. The variant allele was found at a frequency of 8.2e-05 in 1613976 control chromosomes, predominantly at a frequency of 0.00011 within the Non-Finnish European subpopulation in the gnomAD database. The observed variant frequency within Non-Finnish European control individuals in the gnomAD database is approximately 1.54 fold of the estimated maximal expected allele frequency for a pathogenic variant in APC causing Familial Adenomatous Polyposis phenotype (7.1e-05), strongly suggesting that the variant is a benign polymorphism found primarily in populations of Non-Finnish European origin. c.8107A>G has been reported in the literature in individuals affected with Cancer (Mendelker_2017, Li_2017, Mito_2018) without strong evidence for causality. These reports do not provide unequivocal conclusions about association of the variant with Familial Adenomatous Polyposis. Co-occurrences with other pathogenic variants have been reported (MLH1 c.882C>T), providing supporting evidence for a benign role. To our knowledge, no experimental evidence demonstrating an impact on protein function has been reported. Nine submitters have cited clinical-significance assessments for this variant to ClinVar after 2014. Multiple submitters reported the variant with conflicting assessments: seven submitters classified the variant as VUS while two classified the variant as likey benign. Based on the evidence outlined above, the variant was classified as likely benign.

Labcorp Genetics (formerly Invitae), Labcorp
Classification: Benign for Familial adenomatous polyposis 1. Last evaluated: 2025-12-06. Review status: criteria provided, single submitter. Criteria: Invitae Variant Classification Sherloc (09022015). Collection method: clinical testing. Allele origin: germline.

CeGaT Center for Human Genetics Tuebingen
Classification: Likely benign. Last evaluated: 2025-06-01. Review status: criteria provided, single submitter. Criteria: CeGaT Center For Human Genetics Tuebingen Variant Classification Criteria Version 2. Collection method: clinical testing. Allele origin: germline. Affected: yes. Observed: 1 variant allele.
Comment: APC: BP4

All of Us Research Program, National Institutes of Health
Classification: Uncertain significance for Classic or attenuated familial adenomatous polyposis. Last evaluated: 2024-05-30. Review status: criteria provided, single submitter. Criteria: ACMG Guidelines, 2015. Collection method: clinical testing. Allele origin: germline. Inheritance: Autosomal dominant inheritance. Observed: 15 variant alleles, 15 heterozygotes.
Comment: This missense variant replaces lysine with glutamic acid at codon 2703 of the APC protein. Computational prediction suggests that this variant may not impact protein structure and function (internally defined REVEL score threshold <= 0.5, PMID: 27666373). To our knowledge, functional studies have not been reported for this variant. This variant has been observed in an individual with advanced cancer (PMID: 28873162), kidney cancer (PMID: 29684080), or hereditary breast cancer (PMID: 28840378, 29684080). This variant has been identified in 7/282786 chromosomes in the general population by the Genome Aggregation Database (gnomAD). The available evidence is insufficient to determine the role of this variant in disease conclusively. Therefore, this variant is classified as a Variant of Uncertain Significance.

This study involves interpretation of variants in research participants for the purpose of population health screening. Participant phenotype was not available at the time of variant classification. Additional details can be found in publication PMID: 35346344, PMCID: PMC8962531

Color Diagnostics, LLC DBA Color Health
Classification: Uncertain significance for Hereditary cancer-predisposing syndrome. Last evaluated: 2024-03-04. Review status: criteria provided, single submitter. Criteria: ACMG Guidelines, 2015. Collection method: clinical testing. Allele origin: germline.
Comment: This missense variant replaces lysine with glutamic acid at codon 2703 of the APC protein. Computational prediction suggests that this variant may not impact protein structure and function (internally defined REVEL score threshold <= 0.5, PMID: 27666373). To our knowledge, functional studies have not been reported for this variant. This variant has been observed in individuals with advanced cancer (PMID: 28873162), kidney cancer (PMID: 29684080), and hereditary breast cancer (PMID: 28840378, 29684080). This variant has been identified in 7/282786 chromosomes in the general population by the Genome Aggregation Database (gnomAD). The available evidence is insufficient to determine the role of this variant in disease conclusively. Therefore, this variant is classified as a Variant of Uncertain Significance.

GeneDx
Classification: Uncertain significance. Last evaluated: 2024-02-07. Review status: criteria provided, single submitter. Criteria: GeneDx Variant Classification Process June 2021. Collection method: clinical testing. Allele origin: germline. Affected: yes.
Comment: Observed in individuals with breast and other cancers (PMID: 28840378, 28873162, 29684080); In silico analysis supports that this missense variant does not alter protein structure/function; This variant is associated with the following publications: (PMID: 28873162, 28840378, 29684080, 18199528)

Baylor Genetics
Classification: Uncertain significance for Familial adenomatous polyposis 1. Last evaluated: 2024-01-22. Review status: criteria provided, single submitter. Criteria: ACMG Guidelines, 2015. Collection method: clinical testing. Allele origin: unknown.

Genetic Services Laboratory, University of Chicago
Classification: Uncertain significance. Last evaluated: 2023-05-19. Review status: criteria provided, single submitter. Criteria: ACMG Guidelines, 2015. Collection method: clinical testing. Allele origin: germline. Affected: no.
Comment: DNA sequence analysis of the APC gene demonstrated a sequence change, c.8107A>G, in exon 16 that results in an amino acid change, p.Lys2703Glu. This sequence change does not appear to have been previously described in individuals with APC-related disorders but has been described in individuals with cancers including breast cancer and Cowden syndrome (PMID: 28840378, 29684080, 28873162). This sequence change has been described in the gnomAD database with a frequency of 0.005% in the European subpopulation (dbSNP rs730881270). The p.Lys2703Glu change affects a moderately conserved amino acid residue located in a domain of the APC protein that is not known to be functional. In-silico pathogenicity prediction tools (SIFT, PolyPhen2, Align GVGD, REVEL) provide contradictory results for the p.Lys2703Glu substitution. Due to insufficient evidences and the lack of functional studies, the clinical significance of the p.Lys2703Glu change remains unknown at this time.

Ambry Genetics
Classification: Likely benign for Hereditary cancer-predisposing syndrome. Last evaluated: 2023-03-08. Review status: criteria provided, single submitter. Criteria: Ambry Variant Classification Scheme 2023. Collection method: clinical testing. Allele origin: germline.

Sema4
Classification: Uncertain significance for Hereditary cancer-predisposing syndrome. Last evaluated: 2021-09-23. Review status: criteria provided, single submitter. Criteria: Sema4 Curation Guidelines. Collection method: curation. Allele origin: germline.
Comment: The APC c.8107A>G (p.K2703E) variant has been reported in heterozygosity in at least one individual with breast cancer and one with advanced cancer (PMID: 28840378, 28873162). It was observed in 7/129106 chromosomes of the Non-Finnish European subpopulation in the large and broad cohorts of the Genome Aggregation Database (PMID: 32461654). The variant has been reported in ClinVar (Variation ID 181829). Functional studies have not been performed, and in silico predictions of the variant's effect on protein function are inconclusive. The evidence is insufficient to meet ACMG/AMP criteria for classifying the variant as benign or pathogenic. Thus, the clinical significance of this variant is currently uncertain.

St. Jude Molecular Pathology, St. Jude Children's Research Hospital
Classification: Uncertain significance for Familial adenomatous polyposis 1. Last evaluated: 2021-08-03. Review status: criteria provided, single submitter. Criteria: St. Jude Assertion Criteria 2020. Collection method: clinical testing. Allele origin: germline.

NM_000038.6(APC):c.8107A>G (p.Lys2703Glu)

Gene: APC (APC regulator of Wnt signaling pathway; plus strand). Cytogenetic location: 5q22.2.
Variant type: single nucleotide variant.
Coding change: c.8107A>G on transcript NM_000038.6 (MANE Select); coding-DNA position 8107, A replaced by G.
Protein change: p.Lys2703Glu; replaces lysine 2703 with glutamic acid.
Molecular consequence: missense variant.
Genome position (GRCh38, 1-based): chr5:112,843,701, A>G. VCF-style: chr5-112843701-A-G. GRCh37 (hg19) VCF-style: chr5-112179398-A-G.
Other names: p.K2703E:AAA>GAA; c.8107A>G, p.Lys2703Glu (NM_001127510.3, NM_001354895.2); c.8053A>G, p.Lys2685Glu (NM_001127511.3); c.8161A>G, p.Lys2721Glu (NM_001354896.2); c.8137A>G, p.Lys2713Glu (NM_001354897.2); c.8032A>G, p.Lys2678Glu (NM_001354898.2); c.8023A>G, p.Lys2675Glu (NM_001354899.2); c.7984A>G, p.Lys2662Glu (NM_001354900.2); and 7 more; short protein forms K2685E, K2703E, K2602E, K2644E, K2662E, K2675E, K2543E, K2612E.
Identifiers: ClinVar variation 181829 (VCV000181829.50), dbSNP rs730881270, ClinGen allele CA014335.
Genomic context (GRCh38, chr5:112,843,701, plus strand): 5'-ATTGACAGTGTTTCAGAAAAGGCAAATCCAAACATTAAAGATTCAAAAGATAATCAGGCA[A>G]AACAAAATGTGGGTAATGGCAGTGTTCCCATGCGTACCGTGGGTTTGGAAAATCGCCTGA-3'
Protein context (NP_000029.2, residues 2693-2713): NIKDSKDNQA[Lys2703Glu]QNVGNGSVPM